The following is an entry in ClinVar:

ClinVar aggregate classification (germline): Uncertain significance (1 of 4 stars; one submission).

Allele frequency attached by ClinVar (database versions not stated): TOPMed 0.00003; gnomAD 0.00004.

Submission:

Labcorp Genetics (formerly Invitae), Labcorp
Classification: Uncertain significance. Last evaluated: 2024-08-27. Review status: criteria provided, single submitter. Criteria: Invitae Variant Classification Sherloc (09022015). Collection method: clinical testing. Allele origin: germline.
Comment: This sequence change replaces proline, which is neutral and non-polar, with serine, which is neutral and polar, at codon 771 of the MICAL1 protein (p.Pro771Ser). The frequency data for this variant in the population databases is considered unreliable, as metrics indicate poor data quality at this position in the gnomAD database. This variant has not been reported in the literature in individuals affected with MICAL1-related conditions. An algorithm developed to predict the effect of missense changes on protein structure and function (PolyPhen-2) suggests that this variant is likely to be disruptive. In summary, the available evidence is currently insufficient to determine the role of this variant in disease. Therefore, it has been classified as a Variant of Uncertain Significance.

NM_022765.4(MICAL1):c.2254C>T (p.Pro752Ser)

Gene: MICAL1 (microtubule associated monooxygenase, calponin and LIM domain containing 1; minus strand). Cytogenetic location: 6q21.
Variant type: single nucleotide variant.
Coding change: c.2254C>T on transcript NM_022765.4 (MANE Select); coding-DNA position 2254, C replaced by T.
Protein change: p.Pro752Ser; replaces proline 752 with serine.
Molecular consequence: missense variant.
Genome position (GRCh38, 1-based): chr6:109,446,746, G>A on the plus strand (C>T on the coding strand, the complement: MICAL1 is on the minus strand). VCF-style: chr6-109446746-G-A. GRCh37 (hg19) VCF-style: chr6-109767949-G-A.
Other names: c.1996C>T, p.Pro666Ser (NM_001159291.2); c.2311C>T, p.Pro771Ser (NM_001286613.2); short protein forms P666S, P752S, P771S.
Identifiers: ClinVar variation 2960226 (VCV002960226.3), dbSNP rs1392356785, ClinGen allele CA365224844.